The following is an entry in ClinVar:

ClinVar aggregate classification (germline): Uncertain significance (1 of 4 stars; one submission).

Submission:

Labcorp Genetics (formerly Invitae), Labcorp
Classification: Uncertain significance. Last evaluated: 2025-04-23. Review status: criteria provided, single submitter. Criteria: Invitae Variant Classification Sherloc (09022015). Collection method: clinical testing. Allele origin: germline.
Comment: This sequence change replaces lysine, which is basic and polar, with arginine, which is basic and polar, at codon 1657 of the CAD protein (p.Lys1657Arg). This variant is not present in population databases (gnomAD no frequency). This variant has not been reported in the literature in individuals affected with CAD-related conditions. An algorithm developed to predict the effect of missense changes on protein structure and function outputs the following: PolyPhen-2: "Benign". The arginine amino acid residue is found in multiple mammalian species, which suggests that this missense change does not adversely affect protein function. In summary, the available evidence is currently insufficient to determine the role of this variant in disease. Therefore, it has been classified as a Variant of Uncertain Significance.

NM_004341.5(CAD):c.4970A>G (p.Lys1657Arg)

Gene: CAD (carbamoyl-phosphate synthetase 2, aspartate transcarbamylase, and dihydroorotase; plus strand). Cytogenetic location: 2p23.3.
Variant type: single nucleotide variant.
Coding change: c.4970A>G on transcript NM_004341.5 (MANE Select); coding-DNA position 4970, A replaced by G.
Protein change: p.Lys1657Arg; replaces lysine 1657 with arginine.
Molecular consequence: missense variant.
Genome position (GRCh38, 1-based): chr2:27,238,540, A>G. VCF-style: chr2-27238540-A-G. GRCh37 (hg19) VCF-style: chr2-27461408-A-G.
Other names: c.4781A>G, p.Lys1594Arg (NM_001306079.2); short protein forms K1657R, K1594R.
Identifiers: ClinVar variation 4698319 (VCV004698319.1).
Genomic context (GRCh38, chr2:27,238,540, plus strand): 5'-AGGTGGCTCCCCACCACCTGTTCCTAAGCCATGATGACCTGGAGCGCCTGGGGCCTGGGA[A>G]GGGGGAGGTCCGGCCTGAGCTTGGCTCCCGCCAGGATGTGGAAGCCCTGTGGGAGAACAT-3'
Protein context (NP_004332.2, residues 1647-1667): HDDLERLGPG[Lys1657Arg]GEVRPELGSR